The following is an entry in ClinVar:

ClinVar aggregate classification (germline): Pathogenic/Likely pathogenic. Review status: criteria provided, multiple submitters, no conflicts (2 of 4 stars). 8 submissions from 8 submitters: Pathogenic (7); Likely pathogenic (1). Last evaluated 2026-08-10.

Conditions:
Hereditary cancer-predisposing syndrome. Also called: Hereditary neoplastic syndrome; Neoplastic Syndromes, Hereditary; Hereditary Cancer Syndrome; Tumor predisposition. Identifiers: Orphanet 140162, MedGen C0027672, MeSH D009386, MONDO:0015356.
Lynch syndrome 4 (LYNCH4). Also called: Colorectal cancer, hereditary nonpolyposis, type 4; Hereditary non-polyposis colorectal cancer, type 4. Identifiers: Orphanet 144, MedGen C1838333, MONDO:0013699, OMIM 614337. Disease mechanism: loss of function.
PMS2-related disorder. Also called: PMS2-related condition.
Hereditary nonpolyposis colorectal neoplasms. Identifiers: MedGen C0009405, MeSH D003123.

Allele frequency attached by ClinVar (database versions not stated): gnomAD exomes below 0.00001.

Submissions (8):

PreventionGenetics, part of Exact Sciences
Classification: Pathogenic for PMS2-related condition. Last evaluated: 2026-08-10. Review status: criteria provided, single submitter. Criteria: ACMG Guidelines, 2015. Collection method: clinical testing. Allele origin: germline.
Comment: The PMS2 c.1579_1580delAG variant is predicted to result in a frameshift and premature protein termination (p.Arg527Glyfs*14). This variant was reported in an individual with breast cancer, an individual with ovarian cancer, and three individuals with Lynch syndrome, two of which had tumors with high microsatellite instability and loss of PMS2 expression by immunohistochemistry (IHC) assay (Susswein et al. 2016. PubMed ID: 26681312, Table S1; Carter et al. 2018. PubMed ID: 30322717, Table S1; Wang et al. 2020. PubMed ID: 31992580, Table 1). This variant is reported in 0.00088% of alleles in individuals of European (Non-Finnish) descent in gnomAD. This variant falls within a highly paralogous region. Allele frequency data should be interpreted with caution. This variant is interpreted as pathogenic and likely pathogenic in ClinVar (Variation ID: 418417). Frameshift variants in PMS2 are expected to be pathogenic. This variant is interpreted as pathogenic.

GeneDx
Classification: Pathogenic. Last evaluated: 2025-08-16. Review status: criteria provided, single submitter. Criteria: GeneDx Variant Classification Process June 2021. Collection method: clinical testing. Allele origin: germline. Affected: yes.
Comment: Frameshift variant predicted to result in protein truncation or nonsense mediated decay in a gene for which loss-of-function is a known mechanism of disease; Not observed at significant frequency in large population cohorts (gnomAD); Truncating variants in this gene are considered pathogenic by a well-established clinical consortium and/or database; This variant is associated with the following publications: (PMID: 29345684, 26681312, 37591735, 30322717, 37965459, 31992580)

Labcorp Genetics (formerly Invitae), Labcorp
Classification: Pathogenic for Hereditary nonpolyposis colorectal neoplasms. Last evaluated: 2025-06-16. Review status: criteria provided, single submitter. Criteria: Invitae Variant Classification Sherloc (09022015). Collection method: clinical testing. Allele origin: germline.
Comment: This sequence change creates a premature translational stop signal (p.Arg527Glyfs*14) in the PMS2 gene. It is expected to result in an absent or disrupted protein product. Loss-of-function variants in PMS2 are known to be pathogenic (PMID: 21376568, 24362816). This variant is present in population databases (no rsID available, gnomAD 0.0009%). This premature translational stop signal has been observed in individual(s) with breast or ovarian cancer (PMID: 26681312, 30322717). ClinVar contains an entry for this variant (Variation ID: 418417). For these reasons, this variant has been classified as Pathogenic.

Ambry Genetics
Classification: Pathogenic for Hereditary cancer-predisposing syndrome. Last evaluated: 2025-03-17. Review status: criteria provided, single submitter. Criteria: Ambry Variant Classification Scheme 2023. Collection method: clinical testing. Allele origin: germline.
Comment: The c.1579_1580delAG pathogenic mutation, located in coding exon 11 of the PMS2 gene, results from a deletion of two nucleotides at nucleotide positions 1579 to 1580, causing a translational frameshift with a predicted alternate stop codon (p.R527Gfs*14). This alteration has been identified in multiple individuals diagnosed with breast, ovarian, colorectal and/or uterine cancer (Susswein LR et al. Genet. Med., 2016 08;18:823-32; Carter NJ et al. Gynecol Oncol, 2018 12;151:481-488; Roberts ME et al. Genet Med, 2018 10;20:1167-1174; Wang Q et al. J Med Genet, 2020 07;57:487-499). This variant is considered to be rare based on population cohorts in the Genome Aggregation Database (gnomAD). In addition to the clinical data presented in the literature, this alteration is expected to result in loss of function by premature protein truncation or nonsense-mediated mRNA decay. As such, this alteration is interpreted as a disease-causing mutation.

Color Diagnostics, LLC DBA Color Health
Classification: Pathogenic for Hereditary cancer-predisposing syndrome. Last evaluated: 2024-03-25. Review status: criteria provided, single submitter. Criteria: ACMG Guidelines, 2015. Collection method: clinical testing. Allele origin: germline.
Comment: This variant deletes 2 nucleotides in exon 11 of the PMS2 gene, creating a frameshift and premature translation stop signal. This variant is expected to result in an absent or non-functional protein product. This variant has been reported in individuals affected with colorectal, ovarian, or endometrial cancer (PMID: 30322717, 31992580). Tumor studies from affected individuals demonstrate high microsatellite instability and loss of PMS2 protein via immunohistochemistry (PMID: 31992580). This variant has been identified in 1/251038 chromosomes in the general population by the Genome Aggregation Database (gnomAD). Loss of PMS2 function is a known mechanism of disease. Based on the available evidence, this variant is classified as Pathogenic.

Baylor Genetics
Classification: Pathogenic for Lynch syndrome 4. Last evaluated: 2023-10-08. Review status: criteria provided, single submitter. Criteria: ACMG Guidelines, 2015. Collection method: clinical testing. Allele origin: unknown.

Myriad Genetics, Inc.
Classification: Pathogenic for Lynch syndrome 4. Last evaluated: 2023-09-20. Review status: criteria provided, single submitter. Criteria: Myriad Autosomal Dominant, Autosomal Recessive and X-Linked Classification Criteria (2023). Collection method: clinical testing. Allele origin: unknown.
Comment: This variant is considered pathogenic. This variant creates a frameshift predicted to result in premature protein truncation.

Juno Genomics, Hangzhou Juno Genomics, Inc
Classification: Likely pathogenic for Lynch syndrome 4. Review status: criteria provided, single submitter. Criteria: ACMG Guidelines, 2015. Collection method: clinical testing. Allele origin: germline.
Comment: Absent from controls (or at extremely low frequency if recessive) in Genome Aggregation Database.;Null variant in a gene where loss of function (LOF) is a known mechanism of disease.

Literature cited by the submitters: PubMed 21376568 (cited by Labcorp Genetics (formerly Invitae), Labcorp); PubMed 24362816 (cited by Labcorp Genetics (formerly Invitae), Labcorp); PubMed 26681312 (cited by Labcorp Genetics (formerly Invitae), Labcorp and Ambry Genetics); PubMed 30322717 (cited by 3 submitters); PubMed 29345684 (cited by Ambry Genetics); PubMed 31992580 (cited by Ambry Genetics and Color Diagnostics, LLC DBA Color Health).

NM_000535.7(PMS2):c.1579_1580del (p.Arg527fs)

Gene: PMS2 (PMS1 homolog 2, mismatch repair system component; minus strand). Cytogenetic location: 7p22.1.
Variant type: Deletion.
Coding change: c.1579_1580del on transcript NM_000535.7 (MANE Select); coding-DNA positions 1579 to 1580, 2 bases deleted (AG; older notation c.1579_1580delAG).
Protein change: p.Arg527fs; shifts the reading frame from arginine 527.
Molecular consequence: frameshift variant. On other transcripts: non-coding transcript variant (1).
Genome position (GRCh38, 1-based): chr7:5,987,185-5,987,186, CT deleted on the plus strand (AG on the coding strand, the reverse complement: PMS2 is on the minus strand). VCF-style (leftmost placement, unchanged base first): chr7-5987184-CCT-C. GRCh37 (hg19) VCF-style: chr7-6026815-CCT-C.
Other names: c.1579_1580del (NM_000535.5); c.1174_1175del, p.Arg392fs (NM_001322004.2, NM_001322005.2, NM_001322009.2 and 1 more transcripts); c.1423_1424del, p.Arg475fs (NM_001322006.2); c.1261_1262del, p.Arg421fs (NM_001322007.2, NM_001322008.2); c.1018_1019del, p.Arg340fs (NM_001322010.2); c.646_647del, p.Arg216fs (NM_001322011.2, NM_001322012.2); c.1006_1007del, p.Arg336fs (NM_001322013.2); c.1579_1580del, p.Arg527fs (NM_001322014.2); and 2 more; short protein forms R424fs, R527fs, R336fs, R392fs, R475fs, R216fs, R421fs, R340fs.
Identifiers: ClinVar variation 418417 (VCV000418417.28), dbSNP rs1064793234, ClinGen allele CA16618505.